The following is an entry in ClinVar:

NM_020436.5(SALL4):c.2233C>T (p.Arg745Cys)

Gene: SALL4 (spalt like transcription factor 4; minus strand). Cytogenetic location: 20q13.2.
Variant type: single nucleotide variant.
Coding change: c.2233C>T on transcript NM_020436.5 (MANE Select); coding-DNA position 2233, C replaced by T.
Protein change: p.Arg745Cys; replaces arginine 745 with cysteine.
Molecular consequence: missense variant. On other transcripts: intron variant (1).
Genome position (GRCh38, 1-based): chr20:51,790,250, G>A on the plus strand (C>T on the coding strand, the complement: SALL4 is on the minus strand). VCF-style: chr20-51790250-G-A. GRCh37 (hg19) VCF-style: chr20-50406789-G-A.
Other names: c.1150+1083C>T (NM_001318031.2); short protein forms R745C.
Identifiers: ClinVar variation 2153821 (VCV002153821.8), dbSNP rs111502708, ClinGen allele CA9912140.

ClinVar aggregate classification (germline): Conflicting classifications of pathogenicity. Review status: criteria provided, conflicting classifications (1 of 4 stars). 4 submissions from 4 submitters: Uncertain significance (2); Likely benign (2). Last evaluated 2025-11-12.

Conditions:
Inborn genetic diseases. Identifiers: MedGen C0950123, MeSH D030342.
Oculootoradial syndrome (IVIC). Also called: RADIAL RAY DEFECTS, HEARING IMPAIRMENT, EXTERNAL OPHTHALMOPLEGIA, AND THROMBOCYTOPENIA; IVIC syndrome. Identifiers: Orphanet 2307, MedGen C1327918, MONDO:0007836, OMIM 147750.
Duane-radial ray syndrome (DRRS). Also called: Duane-Radial Ray Syndrome (DRRS) / Okihiro Syndrome; DR SYNDROME; DUANE ANOMALY WITH RADIAL RAY ABNORMALITIES AND DEAFNESS; Okihiro Syndrome; Duane-Radial Ray Syndrome/Okihiro Syndrome; ACRORENOOCULAR SYNDROME. Identifiers: Orphanet 93293, Orphanet 959, MedGen C1623209, MONDO:0011812, OMIM 607323. Disease mechanism: gain of function.

Allele frequency attached by ClinVar (database versions not stated): gnomAD exomes 0.00004; ExAC 0.00005; TOPMed 0.00007; gnomAD 0.00009; ESP Exome Variant Server 0.00015.
gnomAD v4.1: 71 of 1,614,022 alleles (0.0044%); highest among the groups gnomAD compares: African/African-American, 0.032%; no homozygotes.

Submissions (4):

Labcorp Genetics (formerly Invitae), Labcorp
Classification: Uncertain significance for Duane-radial ray syndrome. Last evaluated: 2025-11-12. Review status: criteria provided, single submitter. Criteria: Invitae Variant Classification Sherloc (09022015). Collection method: clinical testing. Allele origin: germline.
Comment: This sequence change replaces arginine, which is basic and polar, with cysteine, which is neutral and slightly polar, at codon 745 of the SALL4 protein (p.Arg745Cys). This variant is present in population databases (rs111502708, gnomAD 0.02%). This variant has not been reported in the literature in individuals affected with SALL4-related conditions. ClinVar contains an entry for this variant (Variation ID: 2153821). An algorithm developed to predict the effect of missense changes on protein structure and function (PolyPhen-2) suggests that this variant is likely to be disruptive. In summary, the available evidence is currently insufficient to determine the role of this variant in disease. Therefore, it has been classified as a Variant of Uncertain Significance.

Ambry Genetics
Classification: Uncertain significance for Inborn genetic diseases. Last evaluated: 2025-06-27. Review status: criteria provided, single submitter. Criteria: Ambry Variant Classification Scheme 2023. Collection method: clinical testing. Allele origin: germline.

Blueprint Genetics
Classification: Likely benign. Last evaluated: 2024-09-02. Review status: criteria provided, single submitter. Criteria: ACMG Guidelines, 2015. Collection method: clinical testing. Allele origin: germline.

Fulgent Genetics
Classification: Likely benign for Oculootoradial syndrome; Duane-radial ray syndrome. Last evaluated: 2024-03-28. Review status: criteria provided, single submitter. Criteria: ACMG Guidelines, 2015. Collection method: clinical testing. Allele origin: germline.